The following is an entry in ClinVar:

ClinVar aggregate classification (germline): Likely pathogenic (1 of 4 stars; one submission).

Conditions:
Hypertrophic cardiomyopathy. Also called: HYPERTROPHIC MYOCARDIOPATHY. Identifiers: Orphanet 217569, MedGen C0007194, MeSH D002312, MONDO:0005045, HP:0001639.

Submission:

Labcorp Genetics (formerly Invitae), Labcorp
Classification: Likely pathogenic for Hypertrophic cardiomyopathy. Last evaluated: 2025-10-01. Review status: criteria provided, single submitter. Criteria: Invitae Variant Classification Sherloc (09022015). Collection method: clinical testing. Allele origin: germline.
Comment: This sequence change replaces arginine, which is basic and polar, with glycine, which is neutral and non-polar, at codon 186 of the TNNI3 protein (p.Arg186Gly). This variant is not present in population databases (gnomAD no frequency). This missense change has been observed in individual(s) with hypertrophic cardiomyopathy (PMID: 28567093). It has also been observed to segregate with disease in related individuals. An algorithm developed to predict the effect of missense changes on protein structure and function (PolyPhen-2) suggests that this variant is likely to be disruptive. Algorithms developed to predict the effect of sequence changes on RNA splicing suggest that this variant may disrupt the consensus splice site. This variant disrupts the p.Arg186 amino acid residue in TNNI3. Other variant(s) that disrupt this residue have been determined to be pathogenic (PMID: 12707239, 15607392, 20624503, 21239446, 23540544, 25524337, 27532257). This suggests that this residue is clinically significant, and that variants that disrupt this residue are likely to be disease-causing. In summary, the currently available evidence indicates that the variant is pathogenic, but additional data are needed to prove that conclusively. Therefore, this variant has been classified as Likely Pathogenic.

Literature cited by the submitters: PubMed 28567093; PubMed 12707239; PubMed 15607392; PubMed 20624503; PubMed 21239446; PubMed 23540544; PubMed 25524337; PubMed 27532257.

NM_000363.5(TNNI3):c.556C>G (p.Arg186Gly)

Gene: TNNI3 (troponin I3, cardiac type; minus strand). Cytogenetic location: 19q13.42.
Variant type: single nucleotide variant.
Coding change: c.556C>G on transcript NM_000363.5 (MANE Select); coding-DNA position 556, C replaced by G.
Protein change: p.Arg186Gly; replaces arginine 186 with glycine.
Molecular consequence: missense variant.
Genome position (GRCh38, 1-based): chr19:55,151,911, G>C on the plus strand (C>G on the coding strand, the complement: TNNI3 is on the minus strand). VCF-style: chr19-55151911-G-C. GRCh37 (hg19) VCF-style: chr19-55663279-G-C.
Other names: short protein forms R186G.
Identifiers: ClinVar variation 4695161 (VCV004695161.1).